The following is an entry in ClinVar:

NM_001378964.1(CDON):c.3227del (p.Ser1076fs)

Gene: CDON (cell adhesion associated, oncogene regulated; minus strand). Cytogenetic location: 11q24.2.
Variant type: Deletion.
Coding change: c.3227del on transcript NM_001378964.1 (MANE Select); coding-DNA position 3227, one base deleted (C; older notation c.3227delC).
Protein change: p.Ser1076fs; shifts the reading frame from serine 1076.
Molecular consequence: frameshift variant.
Genome position (GRCh38, 1-based): chr11:125,981,098, G deleted on the plus strand (C on the coding strand, the reverse complement: CDON is on the minus strand). VCF-style (leftmost placement, unchanged base first): chr11-125981097-AG-A. GRCh37 (hg19) VCF-style: chr11-125850992-AG-A.
Other names: c.3227del, p.Ser1076fs (NM_001243597.3, NM_001441161.1, NM_001441162.1 and 5 more transcripts); c.3227delC, p.Ser1076Phefs (NM_016952.4); short protein forms S1076fs.
Identifiers: ClinVar variation 4527011 (VCV004527011.1).

ClinVar aggregate classification (germline): Uncertain significance (1 of 4 stars; one submission).

Submission:

GeneDx
Classification: Uncertain significance. Last evaluated: 2025-04-24. Review status: criteria provided, single submitter. Criteria: GeneDx Variant Classification Process June 2021. Collection method: clinical testing. Allele origin: germline. Affected: yes.
Comment: Frameshift variant predicted to result in protein truncation or nonsense mediated decay in a gene or region of a gene for which loss of function is not a well-established mechanism of disease; Not observed at significant frequency in large population cohorts (gnomAD); Has not been previously published as pathogenic or benign to our knowledge